The following is an entry in ClinVar:

NM_007294.4(BRCA1):c.171G>T (p.Gly57=)

Gene: BRCA1 (BRCA1 DNA repair associated; minus strand). Cytogenetic location: 17q21.31.
Variant type: single nucleotide variant.
Coding change: c.171G>T on transcript NM_007294.4 (MANE Select); coding-DNA position 171, G replaced by T.
Protein change: p.Gly57=; no amino-acid change (glycine 57 retained).
Molecular consequence: synonymous variant. On other transcripts: 5 prime UTR variant (61), intron variant (34).
Genome position (GRCh38, 1-based): chr17:43,106,497, C>A on the plus strand (G>T on the coding strand, the complement: BRCA1 is on the minus strand). VCF-style: chr17-43106497-C-A. GRCh37 (hg19) VCF-style: chr17-41258514-C-A.
Other names: c.171G>T, p.Gly57= (NM_001407977.1, NM_001407993.1, NM_001408392.1 and 168 more transcripts); c.30G>T, p.Gly10= (NM_001407749.1, NM_001407750.1, NM_001407751.1 and 99 more transcripts); c.-18G>T (NM_001407571.1, NM_001407853.1, NM_001407879.1 and 58 more transcripts); c.-218-11637G>T (NM_001407967.1, NM_001407966.1); c.-169-1541G>T (NM_001407959.1, NM_001407962.1, NM_001408512.1 and 4 more transcripts); c.81-1541G>T (NM_001408451.1); c.135-1541G>T (NM_001408475.1, NM_001407875.1, NM_001407659.1 and 21 more transcripts).
Identifiers: ClinVar variation 389985 (VCV000389985.11), dbSNP rs1057523606, ClinGen allele CA16607646.

ClinVar aggregate classification (germline): Likely benign. Review status: criteria provided, multiple submitters, no conflicts (2 of 4 stars). 6 submissions from 6 submitters: Likely benign (6). Last evaluated 2025-03-25.

Conditions:
Hereditary cancer-predisposing syndrome. Also called: Hereditary Cancer Syndrome; Hereditary neoplastic syndrome; Neoplastic Syndromes, Hereditary; Tumor predisposition. Identifiers: Orphanet 140162, MedGen C0027672, MeSH D009386, MONDO:0015356.
Hereditary breast ovarian cancer syndrome. Also called: Hereditary breast and ovarian cancer syndrome; BRCA1- and BRCA2-Associated Hereditary Breast and Ovarian Cancer; Hereditary breast and ovarian cancer; Hereditary breast and/or ovarian cancer syndrome; Hereditary breast and ovarian cancer syndrome (HBOC); Breast and ovarian cancer. Identifiers: Orphanet 145, MedGen C0677776, MeSH D061325, MONDO:0003582. Disease mechanism: loss of function.
BRCA1-related cancer predisposition. Identifiers: MedGen CN377757, MONDO:0700268.

Allele frequency attached by ClinVar (database versions not stated): gnomAD exomes below 0.00001.
gnomAD v4.1: 1 of 1,604,628 alleles (0.000062%); highest among the groups gnomAD compares: Non-Finnish European, 0.000085%; no homozygotes.

Submissions (6):

Quest Diagnostics Nichols Institute San Juan Capistrano
Classification: Likely benign. Last evaluated: 2025-03-25. Review status: criteria provided, single submitter. Criteria: Quest Diagnostics criteria. Collection method: clinical testing. Allele origin: unknown.

Labcorp Genetics (formerly Invitae), Labcorp
Classification: Likely benign for Hereditary breast ovarian cancer syndrome. Last evaluated: 2024-11-24. Review status: criteria provided, single submitter. Criteria: Invitae Variant Classification Sherloc (09022015). Collection method: clinical testing. Allele origin: germline.

All of Us Research Program, National Institutes of Health
Classification: Likely benign for BRCA1-related cancer predisposition. Last evaluated: 2024-08-13. Review status: criteria provided, single submitter. Criteria: ACMG Guidelines, 2015. Collection method: clinical testing. Allele origin: germline. Inheritance: Autosomal dominant inheritance. Observed: 2 variant alleles, 2 heterozygotes.
Comment: This study involves interpretation of variants in research participants for the purpose of population health screening. Participant phenotype was not available at the time of variant classification. Additional details can be found in publication PMID: 35346344, PMCID: PMC8962531

Color Diagnostics, LLC DBA Color Health
Classification: Likely benign for Hereditary cancer-predisposing syndrome. Last evaluated: 2022-03-30. Review status: criteria provided, single submitter. Criteria: ACMG Guidelines, 2015. Collection method: clinical testing. Allele origin: germline.

Ambry Genetics
Classification: Likely benign for Hereditary cancer-predisposing syndrome. Last evaluated: 2020-11-24. Review status: criteria provided, single submitter. Criteria: Ambry Variant Classification Scheme 2023. Collection method: clinical testing. Allele origin: germline.

GeneDx
Classification: Likely benign. Last evaluated: 2016-10-07. Review status: criteria provided, single submitter. Criteria: GeneDx Variant Classification (06012015). Collection method: clinical testing. Allele origin: germline. Affected: yes.
Comment: This variant is considered likely benign or benign based on one or more of the following criteria: it is a conservative change, it occurs at a poorly conserved position in the protein, it is predicted to be benign by multiple in silico algorithms, and/or has population frequency not consistent with disease.